The following is an entry in ClinVar:

ClinVar aggregate classification (germline): Uncertain significance. Review status: criteria provided, multiple submitters, no conflicts (2 of 4 stars). 2 submissions from 2 submitters: Uncertain significance (2). Last evaluated 2024-02-21.

Conditions:
Inborn genetic diseases. Identifiers: MedGen C0950123, MeSH D030342.

Allele frequency attached by ClinVar (database versions not stated): ExAC 0.00001; gnomAD 0.00005; TOPMed 0.00008.

Submissions (2):

Ambry Genetics
Classification: Uncertain significance for Inborn genetic diseases. Last evaluated: 2024-02-21. Review status: criteria provided, single submitter. Criteria: Ambry Variant Classification Scheme 2023. Collection method: clinical testing. Allele origin: germline.

Labcorp Genetics (formerly Invitae), Labcorp
Classification: Uncertain significance. Last evaluated: 2022-05-21. Review status: criteria provided, single submitter. Criteria: Invitae Variant Classification Sherloc (09022015). Collection method: clinical testing. Allele origin: germline.
Comment: This sequence change replaces lysine, which is basic and polar, with arginine, which is basic and polar, at codon 594 of the POP1 protein (p.Lys594Arg). This variant is not present in population databases (gnomAD no frequency). In summary, the available evidence is currently insufficient to determine the role of this variant in disease. Therefore, it has been classified as a Variant of Uncertain Significance. Algorithms developed to predict the effect of sequence changes on RNA splicing suggest that this variant may create or strengthen a splice site. Algorithms developed to predict the effect of missense changes on protein structure and function output the following: SIFT: "Tolerated"; PolyPhen-2: "Benign"; Align-GVGD: "Class C0". The arginine amino acid residue is found in multiple mammalian species, which suggests that this missense change does not adversely affect protein function. This variant has not been reported in the literature in individuals affected with POP1-related conditions.

NM_001145860.2(POP1):c.1781A>G (p.Lys594Arg)

Gene: POP1 (POP1 homolog, ribonuclease P/MRP subunit; plus strand). Cytogenetic location: 8q22.2.
Variant type: single nucleotide variant.
Coding change: c.1781A>G on transcript NM_001145860.2 (MANE Select); coding-DNA position 1781, A replaced by G.
Protein change: p.Lys594Arg; replaces lysine 594 with arginine.
Molecular consequence: missense variant.
Genome position (GRCh38, 1-based): chr8:98,148,885, A>G. VCF-style: chr8-98148885-A-G. GRCh37 (hg19) VCF-style: chr8-99161113-A-G.
Other names: c.1781A>G, p.Lys594Arg (NM_001145861.2, NM_015029.3); c.1781A>G (NM_015029.2); short protein forms K594R.
Identifiers: ClinVar variation 2066602 (VCV002066602.3), dbSNP rs760481334, ClinGen allele CA4820697.